The following is an entry in ClinVar:

NM_000245.4(MET):c.1540C>G (p.Pro514Ala)

Gene: MET (MET proto-oncogene, receptor tyrosine kinase; plus strand). Cytogenetic location: 7q31.2.
Variant type: single nucleotide variant.
Coding change: c.1540C>G on transcript NM_000245.4 (MANE Select); coding-DNA position 1540, C replaced by G.
Protein change: p.Pro514Ala; replaces proline 514 with alanine.
Molecular consequence: missense variant.
Genome position (GRCh38, 1-based): chr7:116,740,864, C>G. VCF-style: chr7-116740864-C-G. GRCh37 (hg19) VCF-style: chr7-116380918-C-G.
Other names: c.1540C>G, p.Pro514Ala (NM_001127500.3, NM_001324401.3); c.250C>G, p.Pro84Ala (NM_001324402.2); short protein forms P84A, P514A.
Identifiers: ClinVar variation 1044066 (VCV001044066.8), dbSNP rs756526057, ClinGen allele CA4448201.

ClinVar aggregate classification (germline): Uncertain significance (1 of 4 stars; one submission).

Conditions:
Renal cell carcinoma. Identifiers: Orphanet 217071, MedGen C0007134, MeSH D002292, MONDO:0005086, HP:0005584.

Allele frequency attached by ClinVar (database versions not stated): gnomAD exomes below 0.00001; TOPMed below 0.00001; ExAC 0.00001.
gnomAD v4.1: 5 of 1,613,966 alleles (0.00031%); highest among the groups gnomAD compares: Non-Finnish European, 0.00034%; no homozygotes.

Submission:

Labcorp Genetics (formerly Invitae), Labcorp
Classification: Uncertain significance for Renal cell carcinoma. Last evaluated: 2020-10-26. Review status: criteria provided, single submitter. Criteria: Invitae Variant Classification Sherloc (09022015). Collection method: clinical testing. Allele origin: germline.
Comment: This sequence change replaces proline with alanine at codon 514 of the MET protein (p.Pro514Ala). The proline residue is highly conserved and there is a small physicochemical difference between proline and alanine. The frequency data for this variant in the population databases is considered unreliable, as metrics indicate poor data quality at this position in the ExAC database. This variant has not been reported in the literature in individuals with MET-related conditions. Algorithms developed to predict the effect of missense changes on protein structure and function (SIFT, PolyPhen-2, Align-GVGD) all suggest that this variant is likely to be disruptive, but these predictions have not been confirmed by published functional studies and their clinical significance is uncertain. In summary, the available evidence is currently insufficient to determine the role of this variant in disease. Therefore, it has been classified as a Variant of Uncertain Significance.